The following is an entry in ClinVar:

ClinVar aggregate classification (germline): Likely pathogenic (1 of 4 stars; one submission).

Conditions:
LAMA2-related muscular dystrophy (LAMA2-RD). Also called: Laminin alpha 2-related dystrophy. Identifiers: MedGen C5679788, MONDO:0100228.

Submission:

Myriad Genetics, Inc.
Classification: Likely pathogenic for LAMA2-related muscular dystrophy. Last evaluated: 2022-03-31. Review status: criteria provided, single submitter. Criteria: Myriad Autosomal Dominant, Autosomal Recessive and X-Linked Classification Criteria (2023). Collection method: clinical testing. Allele origin: unknown.
Comment: NM_000426.3(LAMA2):c.2670delA(K890Nfs*185) is expected to be pathogenic in the context of muscular dystrophy, LAMA2-related. This variant is predicted to lead to an abnormal or absent protein product due to the creation of a premature termination codon in LAMA2, a gene where loss-of-function variants are known to be pathogenic. Please note: this variant was assessed in the context of healthy population screening.

NM_000426.4(LAMA2):c.2670del (p.Lys890fs)

Gene: LAMA2 (laminin subunit alpha 2; plus strand). Cytogenetic location: 6q22.33.
Variant type: Deletion.
Coding change: c.2670del on transcript NM_000426.4 (MANE Select); coding-DNA position 2670, one base deleted (A; older notation c.2670delA).
Protein change: p.Lys890fs; shifts the reading frame from lysine 890.
Molecular consequence: frameshift variant.
Genome position (GRCh38, 1-based): chr6:129,287,979, A deleted; the last of 3 consecutive A bases (chr6:129,287,977-129,287,979); deleting any one gives the same sequence. VCF-style (leftmost placement, unchanged base first): chr6-129287976-TA-T. GRCh37 (hg19) VCF-style: chr6-129609121-TA-T.
Other names: c.2670del, p.Lys890fs (NM_001079823.2); short protein forms K890fs.
Identifiers: ClinVar variation 1725724 (VCV001725724.3), dbSNP rs1231027193, ClinGen allele CA2580074911.